The following is an entry in ClinVar:

NM_001288772.2(PIK3C2G):c.2809A>T (p.Thr937Ser)

Gene: PIK3C2G (phosphatidylinositol-4-phosphate 3-kinase catalytic subunit type 2 gamma; plus strand). Cytogenetic location: 12p12.3.
Variant type: single nucleotide variant.
Coding change: c.2809A>T on transcript NM_001288772.2 (MANE Select); coding-DNA position 2809, A replaced by T.
Protein change: p.Thr937Ser; replaces threonine 937 with serine.
Molecular consequence: missense variant.
Genome position (GRCh38, 1-based): chr12:18,496,077, A>T. VCF-style: chr12-18496077-A-T. GRCh37 (hg19) VCF-style: chr12-18649011-A-T.
Other names: c.2143A>T, p.Thr715Ser (NM_001288774.2); c.2686A>T, p.Thr896Ser (NM_004570.6); short protein forms T896S, T937S, T715S.
Identifiers: ClinVar variation 64530 (VCV000064530.2), dbSNP rs387907452, ClinGen allele CA216345.
Genomic context (GRCh38, chr12:18,496,077, plus strand): 5'-CTGATTTATTTTGCTCACTAGTTTTCCCTTTTTCTTTTCCTATAGGCATGTTCATATTTT[A>T]CATCTAATGCTTTGCCATTGAAGATTACTTTCATCAATGCTAATCCGATGGGCAAAAACA-3'
Protein context (NP_001275701.1, residues 927-947): GIDHDACSYF[Thr937Ser]SNALPLKITF

ClinVar aggregate classification (germline): Uncertain significance (0 of 4 stars; one submission).

Submission:

Martin Pollak Laboratory,  Beth Israel Deaconess Medical Center
Classification: Uncertain significance. Review status: no assertion criteria provided. Collection method: not provided. Allele origin: unknown.
Comment: Lower UCa2+ group
ClinVar note: Converted during submission from unknown to Uncertain significance.